The following is an entry in ClinVar:

ClinVar aggregate classification (germline): Likely benign. Review status: criteria provided, multiple submitters, no conflicts (2 of 4 stars). 3 submissions from 3 submitters: Likely benign (3). Last evaluated 2025-09-14.

Conditions:
Transcobalamin I deficiency (TCN1D). Also called: COBALAMIN PSEUDODEFICIENCY DUE TO TRANSCOBALAMIN DEFICIENCY; COBALAMIN R BINDER PROTEIN DEFICIENCY; TCN1 DEFICIENCY. Identifiers: Orphanet 2967, MedGen C0342700, MONDO:0008659, OMIM 193090.

Allele frequency attached by ClinVar (database versions not stated): ExAC 0.00022; TOPMed 0.00029; gnomAD exomes 0.00032; ESP Exome Variant Server 0.00046.
gnomAD v4.1: 378 of 1,613,664 alleles (0.023%); highest among the groups gnomAD compares: Middle Eastern, 0.21%; no homozygotes.

Submissions (3):

Labcorp Genetics (formerly Invitae), Labcorp
Classification: Likely benign for Transcobalamin I deficiency. Last evaluated: 2025-09-14. Review status: criteria provided, single submitter. Criteria: Invitae Variant Classification Sherloc (09022015). Collection method: clinical testing. Allele origin: germline.

Blueprint Genetics
Classification: Likely benign. Last evaluated: 2024-10-15. Review status: criteria provided, single submitter. Criteria: ACMG Guidelines, 2015. Collection method: clinical testing. Allele origin: germline.

CeGaT Center for Human Genetics Tuebingen
Classification: Likely benign. Last evaluated: 2022-12-01. Review status: criteria provided, single submitter. Criteria: CeGaT Center For Human Genetics Tuebingen Variant Classification Criteria Version 2. Collection method: clinical testing. Allele origin: germline. Affected: yes. Observed: 1 variant allele.
Comment: TCN1: BP4, BP7

NM_001062.4(TCN1):c.924C>T (p.Cys308=)

Gene: TCN1 (transcobalamin 1; minus strand). Cytogenetic location: 11q12.1.
Variant type: single nucleotide variant.
Coding change: c.924C>T on transcript NM_001062.4 (MANE Select); coding-DNA position 924, C replaced by T.
Protein change: p.Cys308=; no amino-acid change (cysteine 308 retained).
Molecular consequence: synonymous variant.
Genome position (GRCh38, 1-based): chr11:59,855,882, G>A on the plus strand (C>T on the coding strand, the complement: TCN1 is on the minus strand). VCF-style: chr11-59855882-G-A. GRCh37 (hg19) VCF-style: chr11-59623355-G-A.
Identifiers: ClinVar variation 1597613 (VCV001597613.33), dbSNP rs146250932, ClinGen allele CA6021865.